The following is an entry in ClinVar:

NM_001453.3(FOXC1):c.957del (p.Ser320fs)

Gene: FOXC1 (forkhead box C1; plus strand). Cytogenetic location: 6p25.3.
Variant type: Deletion.
Coding change: c.957del on transcript NM_001453.3 (MANE Select); coding-DNA position 957, one base deleted (G; older notation c.957delG).
Protein change: p.Ser320fs; shifts the reading frame from serine 320.
Molecular consequence: frameshift variant.
Genome position (GRCh38, 1-based): chr6:1,611,402, G deleted; the last of 5 consecutive G bases (chr6:1,611,398-1,611,402); deleting any one gives the same sequence. VCF-style (leftmost placement, unchanged base first): chr6-1611397-CG-C. GRCh37 (hg19) VCF-style: chr6-1611632-CG-C.
Other names: short protein forms S320fs.
Identifiers: ClinVar variation 537391 (VCV000537391.5), dbSNP rs1241813534, ClinGen allele CA565356214.

ClinVar aggregate classification (germline): Pathogenic. Review status: criteria provided, multiple submitters, no conflicts (2 of 4 stars). 2 submissions from 2 submitters: Pathogenic (2). Last evaluated 2026-07-03.

Conditions:
Axenfeld-Rieger syndrome type 3 (RIEG3). Also called: AXENFELD-RIEGER ANOMALY WITH CARDIAC DEFECTS AND/OR SENSORINEURAL HEARING LOSS. Identifiers: Orphanet 782, MedGen C2678503, MONDO:0011233, OMIM 602482.

Submissions (2):

MVZ Martinsried, Medicover Genetics
Classification: Pathogenic for Axenfeld-Rieger syndrome type 3. Last evaluated: 2026-07-03. Review status: criteria provided, single submitter. Criteria: ClinGen Variant Curation SOP V3.2 + Classification Guidance July2025. Collection method: clinical testing. Allele origin: unknown. Affected: yes. Observed: 1 heterozygote.

Labcorp Genetics (formerly Invitae), Labcorp
Classification: Pathogenic for Axenfeld-Rieger syndrome type 3. Last evaluated: 2023-11-19. Review status: criteria provided, single submitter. Criteria: Invitae Variant Classification Sherloc (09022015). Collection method: clinical testing. Allele origin: germline.
Comment: This sequence change creates a premature translational stop signal (p.Ser320Argfs*81) in the FOXC1 gene. While this is not anticipated to result in nonsense mediated decay, it is expected to disrupt the last 234 amino acid(s) of the FOXC1 protein. The frequency data for this variant in the population databases is considered unreliable, as metrics indicate poor data quality at this position in the gnomAD database. This premature translational stop signal has been observed in individual(s) with Axenfeld-Rieger syndrome (Invitae). In at least one individual the variant was observed to be de novo. ClinVar contains an entry for this variant (Variation ID: 537391). For these reasons, this variant has been classified as Pathogenic.